The following is an entry in ClinVar:

NM_001283009.2(RTEL1):c.1352A>G (p.Lys451Arg)

Genes: RTEL1 (regulator of telomere elongation helicase 1; plus strand), RTEL1-TNFRSF6B (RTEL1-TNFRSF6B readthrough (NMD candidate); plus strand). Cytogenetic location: 20q13.33.
Variant type: single nucleotide variant.
Coding change: c.1352A>G on transcript NM_001283009.2 (MANE Select); coding-DNA position 1352, A replaced by G.
Protein change: p.Lys451Arg; replaces lysine 451 with arginine.
Molecular consequence: missense variant. On other transcripts: non-coding transcript variant (1).
Genome position (GRCh38, 1-based): chr20:63,687,641, A>G. VCF-style: chr20-63687641-A-G. GRCh37 (hg19) VCF-style: chr20-62318994-A-G.
Other names: c.683A>G, p.Lys228Arg (NM_001283010.1); c.1352A>G, p.Lys451Arg (NM_016434.4); c.1424A>G, p.Lys475Arg (NM_032957.5); short protein forms K451R, K475R, K228R.
Identifiers: ClinVar variation 2175968 (VCV002175968.4), dbSNP rs2090627646, ClinGen allele CA409676145.

ClinVar aggregate classification (germline): Uncertain significance (1 of 4 stars; one submission).

Conditions:
Pulmonary fibrosis and/or bone marrow failure, Telomere-related, 3. Also called: PULMONARY FIBROSIS AND/OR BONE MARROW FAILURE SYNDROME, TELOMERE-RELATED, 3. Identifiers: Orphanet 2032, MedGen C4225346, MONDO:0014613, OMIM 616373.
Dyskeratosis congenita, autosomal recessive 5 (DKCB5). Identifiers: MedGen C3554656, MONDO:0014076, OMIM 615190.

Allele frequency attached by ClinVar (database versions not stated): TOPMed below 0.00001.

Submission:

Labcorp Genetics (formerly Invitae), Labcorp
Classification: Uncertain significance for Dyskeratosis congenita, autosomal recessive 5; Pulmonary fibrosis and/or bone marrow failure, Telomere-related, 3. Last evaluated: 2022-04-22. Review status: criteria provided, single submitter. Criteria: Invitae Variant Classification Sherloc (09022015). Collection method: clinical testing. Allele origin: germline.
Comment: This sequence change replaces lysine, which is basic and polar, with arginine, which is basic and polar, at codon 451 of the RTEL1 protein (p.Lys451Arg). This variant is not present in population databases (gnomAD no frequency). This variant has not been reported in the literature in individuals affected with RTEL1-related conditions. Algorithms developed to predict the effect of missense changes on protein structure and function (SIFT, PolyPhen-2, Align-GVGD) all suggest that this variant is likely to be tolerated. In summary, the available evidence is currently insufficient to determine the role of this variant in disease. Therefore, it has been classified as a Variant of Uncertain Significance.